The following is an entry in ClinVar:

ClinVar aggregate classification (germline): Conflicting classifications of pathogenicity. Review status: criteria provided, conflicting classifications (1 of 4 stars). 5 submissions from 5 submitters: Uncertain significance (3); Likely benign (1). 1 of the submissions does not count toward it. Last evaluated 2024-10-25.

Conditions:
Usher syndrome type 1 (USH1). Also called: RETINITIS PIGMENTOSA AND CONGENITAL DEAFNESS. Identifiers: Orphanet 231169, Orphanet 886, MedGen C1568247, MONDO:0010168, OMIM 276900.

Allele frequency attached by ClinVar (database versions not stated): gnomAD exomes 0.00002 and 0.00001; ExAC 0.00004; gnomAD 0.00004 and 0.00005; 1000 Genomes Project 0.00040; TOPMed 0.00008; 1000 Genomes Project 30x 0.00031.
gnomAD v4.1: 27 of 1,612,864 alleles (0.0017%); highest among the groups gnomAD compares: Admixed American, 0.005%; no homozygotes.

Submissions (5):

Labcorp Genetics (formerly Invitae), Labcorp
Classification: Uncertain significance. Last evaluated: 2024-10-25. Review status: criteria provided, single submitter. Criteria: Invitae Variant Classification Sherloc (09022015). Collection method: clinical testing. Allele origin: germline.
Comment: This sequence change replaces serine, which is neutral and polar, with leucine, which is neutral and non-polar, at codon 2033 of the CDH23 protein (p.Ser2033Leu). This variant is present in population databases (rs537971045, gnomAD 0.02%). This variant has not been reported in the literature in individuals affected with CDH23-related conditions. ClinVar contains an entry for this variant (Variation ID: 179352). An algorithm developed to predict the effect of missense changes on protein structure and function outputs the following: PolyPhen-2: "Not Available". The leucine amino acid residue is found in multiple mammalian species, which suggests that this missense change does not adversely affect protein function. In summary, the available evidence is currently insufficient to determine the role of this variant in disease. Therefore, it has been classified as a Variant of Uncertain Significance.

GeneDx
Classification: Uncertain significance. Last evaluated: 2024-05-20. Review status: criteria provided, single submitter. Criteria: GeneDx Variant Classification Process June 2021. Collection method: clinical testing. Allele origin: germline. Affected: yes.
Comment: In silico analysis indicates that this missense variant does not alter protein structure/function; Has not been previously published as pathogenic or benign to our knowledge

Eurofins Ntd Llc (ga)
Classification: Uncertain significance. Last evaluated: 2015-07-23. Review status: criteria provided, single submitter. Criteria: EGL Classification Definitions 2015. Collection method: clinical testing. Allele origin: germline. Observed: 1 variant allele, 1 heterozygote.

Laboratory for Molecular Medicine, Mass General Brigham Personalized Medicine
Classification: Likely benign. Last evaluated: 2013-10-17. Review status: criteria provided, single submitter. Criteria: LMM Criteria. Collection method: clinical testing. Allele origin: germline. Observed: 1 variant allele.
Comment: Ser2033Leu in exon 47 of CDH23: This variant is not expected to have clinical s ignificance due to a lack of conservation across species, including mammals. Of note, rhesus, baboon, and rock hyrax have a leucine (Leu) at this position desp ite high nearby amino acid conservation. In addition, computational analyses (P olyPhen2, SIFT, AlignGVGD) do not suggest a high likelihood of impact to the pro tein.

Natera, Inc.
Classification: Uncertain significance for Usher syndrome type 1. Last evaluated: 2020-01-24. Review status: no assertion criteria provided. Collection method: clinical testing. Allele origin: germline. Not counted in ClinVar's aggregate classification.

NM_022124.6(CDH23):c.6098C>T (p.Ser2033Leu)

Gene: CDH23 (cadherin related 23; plus strand). Cytogenetic location: 10q22.1.
Variant type: single nucleotide variant.
Coding change: c.6098C>T on transcript NM_022124.6 (MANE Select); coding-DNA position 6098, C replaced by T.
Protein change: p.Ser2033Leu; replaces serine 2033 with leucine.
Molecular consequence: missense variant.
Genome position (GRCh38, 1-based): chr10:71,791,180, C>T. VCF-style: chr10-71791180-C-T. GRCh37 (hg19) VCF-style: chr10-73550937-C-T.
Other names: short protein forms S2033L.
Identifiers: ClinVar variation 179352 (VCV000179352.13), dbSNP rs537971045, ClinGen allele CA184255.
Genomic context (GRCh38, chr10:71,791,180, plus strand): 5'-ACCGGGTGCCAGGTGTGGTGACCGTGAGGTCAGGTGTCATCATTGACCGGGAGGCATTCT[C>T]GCCACCCATCCTGGAGCTGCTGCTGCTGGCTGAGGACATCGGGCTGCTCAACAGCACGGC-3'
Protein context (NP_071407.4, residues 2023-2043): SGVIIDREAF[Ser2033Leu]PPILELLLLA